The following is an entry in ClinVar:

ClinVar aggregate classification (germline): Likely pathogenic (1 of 4 stars; one submission).

Conditions:
Sphingolipid activator protein 1 deficiency. Also called: METACHROMATIC LEUKODYSTROPHY DUE TO CEREBROSIDE SULFATASE ACTIVATOR DEFICIENCY; Saposin B Deficiency; Metachromatic leukodystrophy due to saposin B deficiency. Identifiers: Orphanet 512, MedGen C0268262, MONDO:0009590, OMIM 249900.

Submission:

Labcorp Genetics (formerly Invitae), Labcorp
Classification: Likely pathogenic for Sphingolipid activator protein 1 deficiency. Last evaluated: 2021-05-31. Review status: criteria provided, single submitter. Criteria: Invitae Variant Classification Sherloc (09022015). Collection method: clinical testing. Allele origin: germline.
Comment: In summary, the currently available evidence indicates that the variant is pathogenic, but additional data are needed to prove that conclusively. Therefore, this variant has been classified as Likely Pathogenic. This variant has not been reported in the literature in individuals with PSAP-related conditions. This variant is not present in population databases (ExAC no frequency). This variant results in the deletion of part of exon 2 (c.41-17_42del) of the PSAP gene. It is expected to disrupt RNA splicing. Variants that disrupt the donor or acceptor splice site typically lead to a loss of protein function (PMID: 16199547), and loss-of-function variants in PSAP are known to be pathogenic (PMID: 8554069, 11309366, 17616409, 19267410, 30632081).

Literature cited by the submitters: PubMed 16199547; PubMed 8554069; PubMed 11309366; PubMed 17616409; PubMed 19267410; PubMed 30632081.

NM_002778.4(PSAP):c.41-17_42del

Gene: PSAP (prosaposin; minus strand). Cytogenetic location: 10q22.1.
Variant type: Deletion.
Coding change: c.41-17_42del on transcript NM_002778.4 (MANE Select); 17 bases into the intron before coding-DNA position 41 through coding-DNA position 42, 19 bases deleted (GTTGGTTTTCATTTTAGCT).
Molecular consequence: splice acceptor variant.
Genome position (GRCh38, 1-based): chr10:71,834,504-71,834,522, AGCTAAAATGAAAACCAAC deleted on the plus strand (GTTGGTTTTCATTTTAGCT on the coding strand, the reverse complement: PSAP is on the minus strand). VCF-style (leftmost placement, unchanged base first): chr10-71834503-GAGCTAAAATGAAAACCAAC-G. GRCh37 (hg19) VCF-style: chr10-73594260-GAGCTAAAATGAAAACCAAC-G.
Other names: c.41-17_42del (NM_001042466.3, NM_001042465.3).
Identifiers: ClinVar variation 1493860 (VCV001493860.6), dbSNP rs2133053107, ClinGen allele CA2573145301.